The following is an entry in ClinVar:

ClinVar aggregate classification (germline): Pathogenic/Likely pathogenic. Review status: criteria provided, multiple submitters, no conflicts (2 of 4 stars). 6 submissions from 6 submitters: Pathogenic (5); Likely pathogenic (1). Last evaluated 2025-10-08.

Conditions:
Primary ciliary dyskinesia. Also called: Ciliary dyskinesia. Identifiers: Orphanet 244, MedGen C0008780, MONDO:0016575, HP:0012265.
Respiratory ciliopathies including non-CF bronchiectasis.
Primary ciliary dyskinesia 3. Identifiers: Orphanet 244, MedGen C1837618, MONDO:0012085, OMIM 608644.

Allele frequency attached by ClinVar (database versions not stated): gnomAD 0.00001 and 0.00002; gnomAD exomes 0.00001 and 0.00003; ExAC 0.00002; TOPMed 0.00002.
gnomAD v4.1: 23 of 1,613,862 alleles (0.0014%); highest among the groups gnomAD compares: Admixed American, 0.0033%; no homozygotes.

Submissions (6):

Labcorp Genetics (formerly Invitae), Labcorp
Classification: Pathogenic for Primary ciliary dyskinesia. Last evaluated: 2025-10-08. Review status: criteria provided, single submitter. Criteria: Invitae Variant Classification Sherloc (09022015). Collection method: clinical testing. Allele origin: germline.
Comment: This sequence change creates a premature translational stop signal (p.Arg3885*) in the DNAH5 gene. It is expected to result in an absent or disrupted protein product. Loss-of-function variants in DNAH5 are known to be pathogenic (PMID: 11788826, 16627867). This variant is present in population databases (rs756032160, gnomAD 0.05%). This variant has not been reported in the literature in individuals affected with DNAH5-related conditions. ClinVar contains an entry for this variant (Variation ID: 525218). For these reasons, this variant has been classified as Pathogenic.

NHS Central & South Genomic Laboratory Hub
Classification: Pathogenic for Respiratory ciliopathies including non-CF bronchiectasis. Last evaluated: 2025-07-01. Review status: criteria provided, single submitter. Criteria: ACMG Guidelines, 2015. Collection method: clinical testing. Allele origin: germline. Affected: yes.

Natera, Inc.
Classification: Pathogenic for Primary ciliary dyskinesia. Last evaluated: 2024-06-24. Review status: criteria provided, single submitter. Criteria: Natera Variant Classification Schema (03/2026). Collection method: clinical testing. Allele origin: germline.
Comment: The c.11653C>T variant in DNAH5 is a nonsense variant predicted to introduce a stop codon at amino acid 3885. This variant is expected to result in nonsense mediated decay, truncation, or a dysfunctional protein product. This variant is rare in the general population with a frequency below the threshold expected for the associated phenotype(s). This variant has been observed in one or more individuals affected with the associated recessive disease, as either homozygous or compound heterozygous with a second variant (PMID: 31213628). Given the available evidence, this variant is classified as Pathogenic.

Institute Of Molecular Biology And Genetics, Federal Almazov National Medical Research Centre
Classification: Pathogenic for Primary ciliary dyskinesia. Last evaluated: 2023-12-11. Review status: criteria provided, single submitter. Criteria: ACMG Guidelines, 2015. Collection method: clinical testing. Allele origin: paternal. Affected: yes. Observed: 1 variant allele.
Comment: ACMG: PVS1, PM2, PM3, PP5

Dasa
Classification: Likely pathogenic for Primary ciliary dyskinesia 3. Last evaluated: 2022-11-03. Review status: criteria provided, single submitter. Criteria: ACMG Guidelines, 2015. Collection method: clinical testing. Allele origin: germline. Affected: no. Observed: 1 variant allele.
Comment: The c.11653C>T;p.(Arg3885*) variant creates a premature translational stop signal in the DNAH5 gene. It is expected to result in an absent or disrupted protein product - PVS1. The variant is present at low allele frequencies population databases (rs756032160 – gnomAD 0.0001973%; ABraOM no frequency) - PM2_supporting. In summary, the currently available evidence indicates that the variant is likely pathogenic.

Myriad Genetics, Inc.
Classification: Pathogenic for Primary ciliary dyskinesia 3. Last evaluated: 2021-11-16. Review status: criteria provided, single submitter. Criteria: Myriad Women's Health Autosomal Recessive and X-Linked Classification Criteria (2021). Collection method: clinical testing. Allele origin: unknown.
Comment: NM_001369.2(DNAH5):c.11653C>T(R3885*) is a nonsense variant classified as pathogenic in the context of DNAH5-related primary ciliary dyskinesia. R3885* has been observed in cases with relevant disease (PMID: 31213628, 31638833). Functional assessments of this variant are not available in the literature. R3885* has been observed in population frequency databases (gnomAD: ASJ 0.05%). In summary, NM_001369.2(DNAH5):c.11653C>T(R3885*) is a nonsense variant in a gene where loss of function is a known mechanism of disease, is predicted to disrupt protein function, and has been observed more frequently in cases with the relevant disease than in healthy populations. Please note: this variant was assessed in the context of healthy population screening.

Literature cited by the submitters: PubMed 11788826 (cited by Labcorp Genetics (formerly Invitae), Labcorp); PubMed 16627867 (cited by Labcorp Genetics (formerly Invitae), Labcorp); PubMed 31213628 (cited by 3 submitters); PubMed 31638833 (cited by Institute Of Molecular Biology And Genetics, Federal Almazov National Medical Research Centre and Myriad Genetics, Inc.).

NM_001369.3(DNAH5):c.11653C>T (p.Arg3885Ter)

Gene: DNAH5 (dynein axonemal heavy chain 5; minus strand). Cytogenetic location: 5p15.2.
Variant type: single nucleotide variant.
Coding change: c.11653C>T on transcript NM_001369.3 (MANE Select); coding-DNA position 11653, C replaced by T.
Protein change: p.Arg3885Ter; replaces arginine 3885 with a stop codon.
Molecular consequence: nonsense.
Genome position (GRCh38, 1-based): chr5:13,735,239, G>A on the plus strand (C>T on the coding strand, the complement: DNAH5 is on the minus strand). VCF-style: chr5-13735239-G-A. GRCh37 (hg19) VCF-style: chr5-13735348-G-A.
Other names: short protein forms R3885*.
Identifiers: ClinVar variation 525218 (VCV000525218.23), dbSNP rs756032160, ClinGen allele CA3201881.
Genomic context (GRCh38, chr5:13,735,239, plus strand): 5'-TGTCAATCTTTAGGGTAAGCAACAAGGTGAACAGGAATTTGTGCTCCTCGTACAGCCCTC[G>A]GGCAGCATACTTATAAACCTCGTAGGTCATGTGCTCGATGATATTAGCAATCCTCTTGCT-3'